The following is an entry in ClinVar:

ClinVar aggregate classification (germline): Uncertain significance (1 of 4 stars; one submission).

Conditions:
Charcot-Marie-Tooth disease dominant intermediate C (CMTDIC). Also called: CHARCOT-MARIE-TOOTH NEUROPATHY, DOMINANT INTERMEDIATE C. Identifiers: Orphanet 100045, MedGen C1842237, MONDO:0012012, OMIM 608323.

gnomAD v4.1: 1 of 1,614,146 alleles (0.000062%); no homozygotes.

Submission:

Labcorp Genetics (formerly Invitae), Labcorp
Classification: Uncertain significance for Charcot-Marie-Tooth disease dominant intermediate C. Last evaluated: 2024-05-08. Review status: criteria provided, single submitter. Criteria: Invitae Variant Classification Sherloc (09022015). Collection method: clinical testing. Allele origin: germline.
Comment: This sequence change replaces glutamic acid, which is acidic and polar, with aspartic acid, which is acidic and polar, at codon 151 of the YARS protein (p.Glu151Asp). This variant is not present in population databases (gnomAD no frequency). This variant has not been reported in the literature in individuals affected with YARS-related conditions. Advanced modeling of protein sequence and biophysical properties (such as structural, functional, and spatial information, amino acid conservation, physicochemical variation, residue mobility, and thermodynamic stability) performed at Invitae indicates that this missense variant is not expected to disrupt YARS protein function with a negative predictive value of 80%. In summary, the available evidence is currently insufficient to determine the role of this variant in disease. Therefore, it has been classified as a Variant of Uncertain Significance.

NM_003680.4(YARS1):c.453G>C (p.Glu151Asp)

Gene: YARS1 (tyrosyl-tRNA synthetase 1; minus strand). Cytogenetic location: 1p35.1.
Variant type: single nucleotide variant.
Coding change: c.453G>C on transcript NM_003680.4 (MANE Select); coding-DNA position 453, G replaced by C.
Protein change: p.Glu151Asp; replaces glutamic acid 151 with aspartic acid.
Molecular consequence: missense variant.
Genome position (GRCh38, 1-based): chr1:32,806,539, C>G on the plus strand (G>C on the coding strand, the complement: YARS1 is on the minus strand). VCF-style: chr1-32806539-C-G. GRCh37 (hg19) VCF-style: chr1-33272140-C-G.
Other names: short protein forms E151D.
Identifiers: ClinVar variation 3679293 (VCV003679293.2).